The following is an entry in ClinVar:

ClinVar aggregate classification (germline): Benign/Likely benign. Review status: criteria provided, multiple submitters, no conflicts (2 of 4 stars). 4 submissions from 4 submitters: Benign (1); Likely benign (3). Last evaluated 2024-07-23.

Conditions:
Hereditary cancer-predisposing syndrome. Also called: Neoplastic Syndromes, Hereditary; Tumor predisposition; Hereditary Cancer Syndrome; Hereditary neoplastic syndrome. Identifiers: Orphanet 140162, MedGen C0027672, MeSH D009386, MONDO:0015356.
Familial cancer of breast. Also called: BREAST CANCER, FAMILIAL; Hereditary breast cancer; hereditary breast carcinoma. Identifiers: Orphanet 227535, MedGen C0346153, MONDO:0016419, OMIM 114480. Disease mechanism: loss of function.

Allele frequency attached by ClinVar (database versions not stated): gnomAD exomes below 0.00001; ExAC 0.00001.
gnomAD v4.1: 1 of 1,613,664 alleles (0.000062%); highest among the groups gnomAD compares: South Asian, 0.0011%; no homozygotes.

Submissions (4):

Myriad Genetics, Inc.
Classification: Benign for Familial cancer of breast. Last evaluated: 2024-07-23. Review status: criteria provided, single submitter. Criteria: Myriad Autosomal Dominant, Autosomal Recessive and X-Linked Classification Criteria (2023). Collection method: clinical testing. Allele origin: unknown.
Comment: This variant is considered benign. This variant is a silent/synonymous amino acid change and it is not expected to impact splicing.

Labcorp Genetics (formerly Invitae), Labcorp
Classification: Likely benign for Familial cancer of breast. Last evaluated: 2023-10-23. Review status: criteria provided, single submitter. Criteria: Invitae Variant Classification Sherloc (09022015). Collection method: clinical testing. Allele origin: germline.

Color Diagnostics, LLC DBA Color Health
Classification: Likely benign for Hereditary cancer-predisposing syndrome. Last evaluated: 2016-12-12. Review status: criteria provided, single submitter. Criteria: ACMG Guidelines, 2015. Collection method: clinical testing. Allele origin: germline.

Ambry Genetics
Classification: Likely benign for Hereditary cancer-predisposing syndrome. Last evaluated: 2016-09-09. Review status: criteria provided, single submitter. Criteria: Ambry Variant Classification Scheme 2023. Collection method: clinical testing. Allele origin: germline.

NM_000465.4(BARD1):c.909C>T (p.Val303=)

Gene: BARD1 (BRCA1 associated RING domain 1; minus strand). Cytogenetic location: 2q35.
Variant type: single nucleotide variant.
Coding change: c.909C>T on transcript NM_000465.4 (MANE Select); coding-DNA position 909, C replaced by T.
Protein change: p.Val303=; no amino-acid change (valine 303 retained).
Molecular consequence: synonymous variant. On other transcripts: non-coding transcript variant (2), intron variant (3).
Genome position (GRCh38, 1-based): chr2:214,780,965, G>A on the plus strand (C>T on the coding strand, the complement: BARD1 is on the minus strand). VCF-style: chr2-214780965-G-A. GRCh37 (hg19) VCF-style: chr2-215645689-G-A.
Other names: c.852C>T, p.Val284= (NM_001282543.2); c.159-28410C>T (NM_001282548.2); c.215+16096C>T (NM_001282545.2); c.364+11332C>T (NM_001282549.2).
Identifiers: ClinVar variation 485315 (VCV000485315.11), dbSNP rs751581520, ClinGen allele CA2090366.